The following is an entry in ClinVar:

ClinVar aggregate classification (germline): Uncertain significance (1 of 4 stars; one submission).

Conditions:
Charcot-Marie-Tooth disease axonal type 2O. Also called: CHARCOT-MARIE-TOOTH NEUROPATHY, AXONAL, TYPE 2O; CHARCOT-MARIE-TOOTH DISEASE, AXONAL, AUTOSOMAL DOMINANT, TYPE 2O; Charcot-Marie-Tooth Neuropathy Type 2O; Charcot-Marie-Tooth disease, axonal, type 20. Identifiers: Orphanet 284232, MedGen C3280220, MONDO:0013644, OMIM 614228.

Submission:

Labcorp Genetics (formerly Invitae), Labcorp
Classification: Uncertain significance for Charcot-Marie-Tooth disease axonal type 2O. Last evaluated: 2022-05-30. Review status: criteria provided, single submitter. Criteria: Invitae Variant Classification Sherloc (09022015). Collection method: clinical testing. Allele origin: germline.
Comment: This sequence change replaces glutamine, which is neutral and polar, with proline, which is neutral and non-polar, at codon 2299 of the DYNC1H1 protein (p.Gln2299Pro). This variant is not present in population databases (gnomAD no frequency). This variant has not been reported in the literature in individuals affected with DYNC1H1-related conditions. Algorithms developed to predict the effect of missense changes on protein structure and function are either unavailable or do not agree on the potential impact of this missense change (SIFT: "Deleterious"; PolyPhen-2: "Probably Damaging"; Align-GVGD: "Class C0"). In summary, the available evidence is currently insufficient to determine the role of this variant in disease. Therefore, it has been classified as a Variant of Uncertain Significance.

NM_001376.5(DYNC1H1):c.6896A>C (p.Gln2299Pro)

Gene: DYNC1H1 (dynein cytoplasmic 1 heavy chain 1; plus strand). Cytogenetic location: 14q32.31.
Variant type: single nucleotide variant.
Coding change: c.6896A>C on transcript NM_001376.5 (MANE Select); coding-DNA position 6896, A replaced by C.
Protein change: p.Gln2299Pro; replaces glutamine 2299 with proline.
Molecular consequence: missense variant.
Genome position (GRCh38, 1-based): chr14:102,012,352, A>C. VCF-style: chr14-102012352-A-C. GRCh37 (hg19) VCF-style: chr14-102478689-A-C.
Other names: short protein forms Q2299P.
Identifiers: ClinVar variation 2001203 (VCV002001203.4), dbSNP rs2503757765, ClinGen allele CA391058572.
Genomic context (GRCh38, chr14:102,012,352, plus strand): 5'-TTTTAAAATCCTTCCCAACCAGGATCATCGACAGCGTGAGAGGCGAGCTGCAGAAGCGCC[A>C]GTGGATCGTCTTCGATGGCGATGTGGATCCAGAGTGGGTTGAGAACTTGAACTCAGTGCT-3'
Protein context (NP_001367.2, residues 2289-2309): DSVRGELQKR[Gln2299Pro]WIVFDGDVDP